The following is an entry in ClinVar:

NM_001079843.3(CASZ1):c.1745T>A (p.Ile582Asn)

Gene: CASZ1 (castor zinc finger 1; minus strand). Cytogenetic location: 1p36.22.
Variant type: single nucleotide variant.
Coding change: c.1745T>A on transcript NM_001079843.3 (MANE Select); coding-DNA position 1745, T replaced by A.
Protein change: p.Ile582Asn; replaces isoleucine 582 with asparagine.
Molecular consequence: missense variant.
Genome position (GRCh38, 1-based): chr1:10,654,512, A>T on the plus strand (T>A on the coding strand, the complement: CASZ1 is on the minus strand). VCF-style: chr1-10654512-A-T. GRCh37 (hg19) VCF-style: chr1-10714569-A-T.
Other names: c.1745T>A, p.Ile582Asn (NM_017766.5); short protein forms I582N.
Identifiers: ClinVar variation 3370106 (VCV003370106.1).

ClinVar aggregate classification (germline): Uncertain significance (1 of 4 stars; one submission).

gnomAD v4.1: 1 of 1,614,228 alleles (0.000062%); highest among the groups gnomAD compares: Non-Finnish European, 0.000085%; no homozygotes.

Submission:

GeneDx
Classification: Uncertain significance. Last evaluated: 2023-12-19. Review status: criteria provided, single submitter. Criteria: GeneDx Variant Classification Process June 2021. Collection method: clinical testing. Allele origin: germline. Affected: yes.
Comment: Not observed at significant frequency in large population cohorts (gnomAD); In silico analysis supports that this missense variant has a deleterious effect on protein structure/function; Has not been previously published as pathogenic or benign to our knowledge